The following is an entry in ClinVar:

ClinVar aggregate classification (germline): Pathogenic (1 of 4 stars; one submission).

Conditions:
Familial cancer of breast. Also called: Hereditary breast cancer; BREAST CANCER, FAMILIAL; hereditary breast carcinoma. Identifiers: Orphanet 227535, MedGen C0346153, MONDO:0016419, OMIM 114480. Disease mechanism: loss of function.

Submission:

Myriad Genetics, Inc.
Classification: Pathogenic for Familial cancer of breast. Last evaluated: 2023-09-13. Review status: criteria provided, single submitter. Criteria: Myriad Autosomal Dominant, Autosomal Recessive and X-Linked Classification Criteria (2023). Collection method: clinical testing. Allele origin: unknown.
Comment: This variant is considered pathogenic. This variant creates a termination codon and is predicted to result in premature protein truncation.

NM_024675.4(PALB2):c.2647A>T (p.Lys883Ter)

Gene: PALB2 (partner and localizer of BRCA2; minus strand). Cytogenetic location: 16p12.2.
Variant type: single nucleotide variant.
Coding change: c.2647A>T on transcript NM_024675.4 (MANE Select); coding-DNA position 2647, A replaced by T.
Protein change: p.Lys883Ter; replaces lysine 883 with a stop codon.
Molecular consequence: nonsense. On other transcripts: intron variant (3).
Genome position (GRCh38, 1-based): chr16:23,626,337, T>A on the plus strand (A>T on the coding strand, the complement: PALB2 is on the minus strand). VCF-style: chr16-23626337-T-A. GRCh37 (hg19) VCF-style: chr16-23637658-T-A.
Other names: c.2587A>T, p.Lys863Ter (NM_001407296.1); c.2575A>T, p.Lys859Ter (NM_001407297.1); c.2647A>T, p.Lys883Ter (NM_001407299.1, NM_001407300.1, NM_001407301.1); c.1762A>T, p.Lys588Ter (NM_001407304.1, NM_001407305.1, NM_001407306.1 and 4 more transcripts); c.859A>T, p.Lys287Ter (NM_001407312.1, NM_001407313.1); c.181A>T, p.Lys61Ter (NM_001407314.1); c.2587-2243A>T (NM_001407302.1, NM_001407298.1); c.1702-2243A>T (NM_001407307.1); short protein forms K287*, K588*, K61*, K859*, K863*, K883*.
Identifiers: ClinVar variation 2674135 (VCV002674135.1), dbSNP rs1966842668, ClinGen allele CA395122133.